The following is an entry in ClinVar:

NM_182643.3(DLC1):c.3832G>A (p.Ala1278Thr)

Gene: DLC1 (DLC1 Rho GTPase activating protein; minus strand). Cytogenetic location: 8p22.
Variant type: single nucleotide variant.
Coding change: c.3832G>A on transcript NM_182643.3 (MANE Select); coding-DNA position 3832, G replaced by A.
Protein change: p.Ala1278Thr; replaces alanine 1278 with threonine.
Molecular consequence: missense variant.
Genome position (GRCh38, 1-based): chr8:13,091,341, C>T on the plus strand (G>A on the coding strand, the complement: DLC1 is on the minus strand). VCF-style: chr8-13091341-C-T. GRCh37 (hg19) VCF-style: chr8-12948850-C-T.
Other names: c.2299G>A, p.Ala767Thr (NM_001164271.2, NM_001348082.2, NM_001348083.1 and 6 more transcripts); c.2623G>A, p.Ala875Thr (NM_001316668.2, NM_001413129.1); c.3832G>A, p.Ala1278Thr (NM_001348081.2, NM_001413124.1); c.2614G>A, p.Ala872Thr (NM_001413130.1); c.2272G>A, p.Ala758Thr (NM_001413131.1, NM_001413137.1); c.2758G>A, p.Ala920Thr (NM_001413132.1); c.2521G>A, p.Ala841Thr (NM_001413135.1, NM_001413136.1, NM_001413139.1 and 1 more transcripts); c.2656G>A, p.Ala886Thr (NM_001413140.1); short protein forms A1278T, A841T, A875T, A872T, A920T, A758T, A767T, A886T.
Identifiers: ClinVar variation 3082689 (VCV003082689.3), dbSNP rs780469871, ClinGen allele CA4638156.

ClinVar aggregate classification (germline): Uncertain significance. Review status: criteria provided, multiple submitters, no conflicts (2 of 4 stars). 2 submissions from 2 submitters: Uncertain significance (2). Last evaluated 2025-06-03.

Allele frequency attached by ClinVar (database versions not stated): ExAC 0.00002; gnomAD 0.00002; gnomAD exomes 0.00003; TOPMed 0.00007.
gnomAD v4.1: 44 of 1,613,900 alleles (0.0027%); highest among the groups gnomAD compares: Middle Eastern, 0.016%; no homozygotes.

Submissions (2):

Labcorp Genetics (formerly Invitae), Labcorp
Classification: Uncertain significance. Last evaluated: 2025-06-03. Review status: criteria provided, single submitter. Criteria: Invitae Variant Classification Sherloc (09022015). Collection method: clinical testing. Allele origin: germline.
Comment: This sequence change replaces alanine, which is neutral and non-polar, with threonine, which is neutral and polar, at codon 1278 of the DLC1 protein (p.Ala1278Thr). This variant is present in population databases (rs780469871, gnomAD 0.004%). This variant has not been reported in the literature in individuals affected with DLC1-related conditions. ClinVar contains an entry for this variant (Variation ID: 3082689). An algorithm developed to predict the effect of missense changes on protein structure and function (PolyPhen-2) suggests that this variant is likely to be tolerated. In summary, the available evidence is currently insufficient to determine the role of this variant in disease. Therefore, it has been classified as a Variant of Uncertain Significance.

Ambry Genetics
Classification: Uncertain significance. Last evaluated: 2024-01-16. Review status: criteria provided, single submitter. Criteria: Ambry Variant Classification Scheme 2023. Collection method: clinical testing. Allele origin: germline.